The following is an entry in ClinVar:

ClinVar aggregate classification (germline): Uncertain significance. Review status: criteria provided, multiple submitters, no conflicts (2 of 4 stars). 2 submissions from 2 submitters: Uncertain significance (2). Last evaluated 2024-12-08.

Conditions:
Alstrom syndrome (ALMS). Identifiers: Orphanet 64, MedGen C0268425, MONDO:0008763, OMIM 203800.

Allele frequency attached by ClinVar (database versions not stated): gnomAD exomes below 0.00001; gnomAD 0.00001.
gnomAD v4.1: 7 of 1,614,084 alleles (0.00043%); highest among the groups gnomAD compares: Middle Eastern, 0.016%; no homozygotes.

Submissions (2):

Labcorp Genetics (formerly Invitae), Labcorp
Classification: Uncertain significance for Alstrom syndrome. Last evaluated: 2024-12-08. Review status: criteria provided, single submitter. Criteria: Invitae Variant Classification Sherloc (09022015). Collection method: clinical testing. Allele origin: germline.
Comment: This sequence change replaces proline, which is neutral and non-polar, with leucine, which is neutral and non-polar, at codon 1693 of the ALMS1 protein (p.Pro1693Leu). This variant is not present in population databases (gnomAD no frequency). This variant has not been reported in the literature in individuals affected with ALMS1-related conditions. ClinVar contains an entry for this variant (Variation ID: 1980096). Experimental studies and prediction algorithms are not available or were not evaluated, and the functional significance of this variant is currently unknown. In summary, the available evidence is currently insufficient to determine the role of this variant in disease. Therefore, it has been classified as a Variant of Uncertain Significance.

Blueprint Genetics
Classification: Uncertain significance. Last evaluated: 2023-02-28. Review status: criteria provided, single submitter. Criteria: ACMG Guidelines, 2015. Collection method: clinical testing. Allele origin: germline.

NM_001378454.1(ALMS1):c.5075C>T (p.Pro1692Leu)

Gene: ALMS1 (ALMS1 centrosome and basal body associated protein; plus strand). Cytogenetic location: 2p13.1.
Variant type: single nucleotide variant.
Coding change: c.5075C>T on transcript NM_001378454.1 (MANE Select); coding-DNA position 5075, C replaced by T.
Protein change: p.Pro1692Leu; replaces proline 1692 with leucine.
Molecular consequence: missense variant.
Genome position (GRCh38, 1-based): chr2:73,451,602, C>T. VCF-style: chr2-73451602-C-T. GRCh37 (hg19) VCF-style: chr2-73678729-C-T.
Other names: c.5078C>T, p.Pro1693Leu (NM_015120.4); short protein forms P1692L, P1693L.
Identifiers: ClinVar variation 1980096 (VCV001980096.3), dbSNP rs1044261801, ClinGen allele CA50396253.